The following is an entry in ClinVar:

NM_000132.4(F8):c.3637dup (p.Ile1213fs)

Gene: F8 (coagulation factor VIII; minus strand). Cytogenetic location: Xq28.
Variant type: Duplication.
Coding change: c.3637dup on transcript NM_000132.4 (MANE Select); coding-DNA position 3637, one base duplicated (A; older notation c.3637dupA).
Protein change: p.Ile1213fs; shifts the reading frame from isoleucine 1213.
Molecular consequence: frameshift variant.
Genome position (GRCh38, 1-based): chrX:154,930,153, T duplicated on the plus strand (A on the coding strand, the reverse complement: F8 is on the minus strand); the first of 9 consecutive T bases (chrX:154,930,153-154,930,161); duplicating any one gives the same sequence. VCF-style (leftmost placement, unchanged base first): chrX-154930152-A-AT. GRCh37 (hg19) VCF-style: chrX-154158427-A-AT.
Other names: c.3637dupA (NM_000132.3); short protein forms I1213fs.
Identifiers: ClinVar variation 1330420 (VCV001330420.13), dbSNP rs387906450, ClinGen allele CA10568191.
Genomic context (GRCh38, chrX:154,930,152, plus strand): 5'-ATCTGAGGCAAAACTACATTCTCTTGGATTAATGTTTCCTTCTTTTCTATTTCTTCCTGA[A>AT]TTTTTTTTTCTTGATTGTGTGTATTATTTTCATGTAAATTATCCAAGTTAGTAAGAAATA-3'

ClinVar aggregate classification (germline): Pathogenic/Likely pathogenic. Review status: criteria provided, multiple submitters, no conflicts (2 of 4 stars). 4 submissions from 4 submitters: Pathogenic (3); Likely pathogenic (1). Last evaluated 2025-07-28.

Conditions:
Hereditary factor VIII deficiency disease (HEMA). Also called: HEMOPHILIA, CLASSIC; Hemophilia A; Hemophilia A, congenital; HEM A; Factor 8 deficiency, congenital; AUTOSOMAL HEMOPHILIA A. Identifiers: Orphanet 98878, MedGen C0019069, MONDO:0010602, OMIM 306700.
F8-related disorder. Also called: F8-related condition.

Submissions (4):

Variantyx, Inc.
Classification: Pathogenic for Hereditary factor VIII deficiency disease. Last evaluated: 2025-07-28. Review status: criteria provided, single submitter. Criteria: Variantyx Assertion Criteria 2022. Collection method: clinical testing. Allele origin: maternal. Inheritance: X-linked recessive inheritance.
Comment: This is a frameshift variant in the F8 gene (OMIM: 300841). Pathogenic variants in this gene have been associated with X-linked hemophilia A. This variant introduces a premature termination codon in exon 14 out of 26 and is expected to result in loss of function, which is a known disease mechanism for F8 in this disorder (PMID:23551875) (PVS1). This variant has been reported in at least 2 unrelated affected individuals (PMID: 7794769, 39125936) (PS4_Moderate), and has a 0.0007% maximum allele frequency in non-founder control populations (PM2). Based on the current evidence, this variant is classified as pathogenic for X-linked hemophilia A.

PreventionGenetics, part of Exact Sciences
Classification: Pathogenic for F8-related condition. Last evaluated: 2024-12-08. Review status: criteria provided, single submitter. Criteria: ACMG Guidelines, 2015. Collection method: clinical testing. Allele origin: germline.
Comment: The F8 c.3637dupA variant is predicted to result in a frameshift and premature protein termination (p.Ile1213Asnfs*28). This variant was reported in individuals with haemophilia A (see, for example, supplementary data, Kang et al. 2020. PubMed ID: 32897612; supplementary data, Feng et al. 2020. PubMed ID: 33245802). This variant is reported in 0.0082% of alleles in individuals of European (Non-Finnish) descent in gnomAD. Frameshift variants in F8 are expected to be pathogenic. This variant is interpreted as pathogenic.

ARUP Laboratories, Molecular Genetics and Genomics, ARUP Laboratories
Classification: Pathogenic. Last evaluated: 2022-12-05. Review status: criteria provided, single submitter. Criteria: ARUP Molecular Germline Variant Investigation Process 2024. Collection method: clinical testing. Allele origin: germline.
Comment: The F8 c.3637dupA; p.Ile1213AsnfsTer28 variant (rs387906450), also known as codon 1191-1194 insA, 3629insA or 3809insA, is reported in multiple individuals with severe or moderate hemophilia A (Pieneman 1995, Nakaya 2001, Factor VIII database and references therein). This variant is found in the general population with an overall allele frequency of 0.005% (8/163970 alleles) in the Genome Aggregation Database. This variant causes a frameshift by duplicating a single nucleotide, so it is predicted to result in a truncated protein or mRNA subject to nonsense-mediated decay. Based on available information, this variant is considered to be pathogenic. References: Factor VIII database: Nakaya S et al. Some factor VIII exon 14 frameshift mutations cause moderately severe haemophilia A. Br J Haematol. 2001 Dec;115(4):977-82. Pieneman WC et al. Screening for mutations in haemophilia A patients by multiplex PCR-SSCP, Southern blotting and RNA analysis: the detection of a genetic abnormality in the factor VIII gene in 30 out of 35 patients. Br J Haematol. 1995 Jun;90(2):442-9.

Neuberg Centre For Genomic Medicine, NCGM
Classification: Likely pathogenic for Hereditary factor VIII deficiency disease. Review status: criteria provided, single submitter. Criteria: ACMG Guidelines, 2015. Collection method: clinical testing. Allele origin: germline. Inheritance: X-linked recessive inheritance. Affected: yes.
Comment: The frameshift variant c.3637dup(p.Ile1213AsnfsTer28) in F8 gene has been reported in multiple individuals affected with Hemophilia A (Nakaya et. al., 2001; Pieneman et. al., 1995). The observed variant has allele frequency of 0.005% in gnomAD exomes database. This variant has been submitted to the ClinVar database as Pathogenic. This variant causes a frameshift starting with codon Isoleucine 1213, changes this amino acid to Asparagine residue, and creates a premature Stop codon at position 28 of the new reading frame, denoted p.Ile1213AsnfsTer28. This variant is predicted to cause loss of normal protein function through protein truncation. Loss of function variants have been previously reported to be disease causing. However, additional functional studies will be required to confirm the pathogenicity of the variant. For these reasons, this variant has been classified as Likely Pathogenic.

Literature cited by the submitters: PubMed 7794769 (cited by Variantyx, Inc.); PubMed 39125936 (cited by Variantyx, Inc.); PubMed 23551875 (cited by Variantyx, Inc.).